The following is an entry in ClinVar:

ClinVar aggregate classification (germline): Uncertain significance (1 of 4 stars; one submission).

Submission:

GeneDx
Classification: Uncertain significance. Last evaluated: 2019-08-30. Review status: criteria provided, single submitter. Criteria: GeneDx Variant Classification Process June 2021. Collection method: clinical testing. Allele origin: germline. Affected: yes.
Comment: Has not been previously published as pathogenic or benign to our knowledge; Not observed in large population cohorts (Lek et al., 2016)

NM_012463.4(ATP6V0A2):c.1515-3_1515-2del

Gene: ATP6V0A2 (ATPase H+ transporting V0 subunit a2; plus strand). Cytogenetic location: 12q24.31.
Variant type: Deletion.
Coding change: c.1515-3_1515-2del on transcript NM_012463.4 (MANE Select); 3 bases into the intron before coding-DNA position 1515 through the canonical splice acceptor site of the intron before coding-DNA position 1515, 2 bases deleted (CA; older notation c.1515-3_1515-2delCA).
Molecular consequence: splice acceptor variant.
Genome position (GRCh38, 1-based): chr12:123,744,879-123,744,880, CA deleted; deleting any 2 consecutive bases within chr12:123,744,878-123,744,880 gives the same sequence; the c. name uses the placement nearest the transcript's 3' end. VCF-style (leftmost placement, unchanged base first): chr12-123744877-TAC-T. GRCh37 (hg19) VCF-style: chr12-124229424-TAC-T.
Identifiers: ClinVar variation 1307992 (VCV001307992.2), dbSNP rs2135910474, ClinGen allele CA2573053626.